The following is an entry in ClinVar:

ClinVar aggregate classification (germline): Conflicting classifications of pathogenicity. Review status: criteria provided, conflicting classifications (1 of 4 stars). 5 submissions from 5 submitters: Uncertain significance (2); Benign (1); Likely benign (2). Last evaluated 2026-05-01.

Conditions:
Rubinstein-Taybi syndrome (RSTS). Identifiers: Orphanet 783, MedGen C0035934, MONDO:0019188.
CREBBP-related disorder. Also called: CREBBP-related condition; CREBBP-related disorders.
Inborn genetic diseases. Identifiers: MedGen C0950123, MeSH D030342.

Allele frequency attached by ClinVar (database versions not stated): TOPMed 0.00002; gnomAD 0.00003; gnomAD exomes 0.00003 and 0.00008; ExAC 0.00004.
gnomAD v4.1: 119 of 1,604,572 alleles (0.0074%); highest among the groups gnomAD compares: Non-Finnish European, 0.0096%; no homozygotes.

Submissions (5):

PreventionGenetics, part of Exact Sciences
Classification: Uncertain significance for CREBBP-related condition. Last evaluated: 2026-05-01. Review status: criteria provided, single submitter. Criteria: ACMG Guidelines, 2015. Collection method: clinical testing. Allele origin: germline.
Comment: The CREBBP c.4948G>A variant is predicted to result in the amino acid substitution p.Val1650Ile. To our knowledge, this variant has not been reported in the literature. This variant is reported in 0.012% of alleles in individuals of East Asian descent in gnomAD. Although we suspect that this variant may be benign, at this time, the clinical significance of this variant is uncertain due to the absence of conclusive functional and genetic evidence.

Labcorp Genetics (formerly Invitae), Labcorp
Classification: Benign for Rubinstein-Taybi syndrome. Last evaluated: 2025-11-25. Review status: criteria provided, single submitter. Criteria: Invitae Variant Classification Sherloc (09022015). Collection method: clinical testing. Allele origin: germline.

Ambry Genetics
Classification: Likely benign for Inborn genetic diseases. Last evaluated: 2025-11-03. Review status: criteria provided, single submitter. Criteria: Ambry Variant Classification Scheme 2023. Collection method: clinical testing. Allele origin: germline.

CeGaT Center for Human Genetics Tuebingen
Classification: Uncertain significance. Last evaluated: 2022-12-01. Review status: criteria provided, single submitter. Criteria: CeGaT Center For Human Genetics Tuebingen Variant Classification Criteria Version 2. Collection method: clinical testing. Allele origin: germline. Affected: yes. Observed: 1 variant allele.
Comment: CREBBP: PP2

GeneDx
Classification: Likely benign. Last evaluated: 2020-10-21. Review status: criteria provided, single submitter. Criteria: GeneDx Variant Classification Process June 2021. Collection method: clinical testing. Allele origin: germline. Affected: yes.

NM_004380.3(CREBBP):c.4948G>A (p.Val1650Ile)

Gene: CREBBP (CREB binding lysine acetyltransferase; minus strand). Cytogenetic location: 16p13.3.
Variant type: single nucleotide variant.
Coding change: c.4948G>A on transcript NM_004380.3 (MANE Select); coding-DNA position 4948, G replaced by A.
Protein change: p.Val1650Ile; replaces valine 1650 with isoleucine.
Molecular consequence: missense variant.
Genome position (GRCh38, 1-based): chr16:3,731,416, C>T on the plus strand (G>A on the coding strand, the complement: CREBBP is on the minus strand). VCF-style: chr16-3731416-C-T. GRCh37 (hg19) VCF-style: chr16-3781417-C-T.
Other names: c.4834G>A, p.Val1612Ile (NM_001079846.1); short protein forms V1612I, V1650I.
Identifiers: ClinVar variation 1254777 (VCV001254777.31), dbSNP rs776549587, ClinGen allele CA7869372.